The following is an entry in ClinVar:

NM_001818.5(AKR1C4):c.323T>C (p.Leu108Pro)

Gene: AKR1C4 (aldo-keto reductase family 1 member C4; plus strand). Cytogenetic location: 10p15.1.
Variant type: single nucleotide variant.
Coding change: c.323T>C on transcript NM_001818.5 (MANE Select); coding-DNA position 323, T replaced by C.
Protein change: p.Leu108Pro; replaces leucine 108 with proline.
Molecular consequence: missense variant.
Genome position (GRCh38, 1-based): chr10:5,204,447, T>C. VCF-style: chr10-5204447-T-C. GRCh37 (hg19) VCF-style: chr10-5246410-T-C.
Other names: short protein forms L108P.
Identifiers: ClinVar variation 5001612 (VCV005001612.1).

ClinVar aggregate classification (germline): Uncertain significance (1 of 4 stars; one submission).

Conditions:
AKR1C4-related disorder. Also called: AKR1C4-related condition.

Submission:

PreventionGenetics, part of Exact Sciences
Classification: Uncertain significance for AKR1C4-related condition. Last evaluated: 2026-08-19. Review status: criteria provided, single submitter. Criteria: ACMG Guidelines, 2015. Collection method: clinical testing. Allele origin: germline.
Comment: The AKR1C4 c.323T>C variant is predicted to result in the amino acid substitution p.Leu108Pro. To our knowledge, this variant has not been reported in the literature or in a large population database (gnomAD), indicating this variant is rare. At this time, the clinical significance of this variant is uncertain due to the absence of conclusive functional and genetic evidence.